The following is an entry in ClinVar:

ClinVar aggregate classification (germline): Uncertain significance (1 of 4 stars; one submission).

Allele frequency attached by ClinVar (database versions not stated): gnomAD 0.00006 and 0.00009; TOPMed 0.00007; 1000 Genomes Project 0.00040; 1000 Genomes Project 30x 0.00047.

Submission:

Labcorp Genetics (formerly Invitae), Labcorp
Classification: Uncertain significance. Last evaluated: 2025-12-17. Review status: criteria provided, single submitter. Criteria: Invitae Variant Classification Sherloc (09022015). Collection method: clinical testing. Allele origin: germline.
Comment: This sequence change replaces arginine, which is basic and polar, with cysteine, which is neutral and slightly polar, at codon 799 of the CSF2RB protein (p.Arg799Cys). This variant is present in population databases (rs544020050, gnomAD 0.02%). This variant has not been reported in the literature in individuals affected with CSF2RB-related conditions. ClinVar contains an entry for this variant (Variation ID: 1365911). Invitae Evidence Modeling of protein sequence and biophysical properties (such as structural, functional, and spatial information, amino acid conservation, physicochemical variation, residue mobility, and thermodynamic stability) indicates that this missense variant is not expected to disrupt CSF2RB protein function with a negative predictive value of 80%. In summary, the available evidence is currently insufficient to determine the role of this variant in disease. Therefore, it has been classified as a Variant of Uncertain Significance.

NM_000395.3(CSF2RB):c.2395C>T (p.Arg799Cys)

Gene: CSF2RB (colony stimulating factor 2 receptor subunit beta; plus strand). Cytogenetic location: 22q12.3.
Variant type: single nucleotide variant.
Coding change: c.2395C>T on transcript NM_000395.3 (MANE Select); coding-DNA position 2395, C replaced by T.
Protein change: p.Arg799Cys; replaces arginine 799 with cysteine.
Molecular consequence: missense variant.
Genome position (GRCh38, 1-based): chr22:36,938,203, C>T. VCF-style: chr22-36938203-C-T. GRCh37 (hg19) VCF-style: chr22-37334245-C-T.
Other names: short protein forms R799C.
Identifiers: ClinVar variation 1365911 (VCV001365911.6), dbSNP rs544020050, ClinGen allele CA10214108.